The following is an entry in ClinVar:

NM_001374385.1(ATP8B1):c.1154G>T (p.Gly385Val)

Gene: ATP8B1 (ATPase phospholipid transporting 8B1; minus strand). Cytogenetic location: 18q21.31.
Variant type: single nucleotide variant.
Coding change: c.1154G>T on transcript NM_001374385.1 (MANE Select); coding-DNA position 1154, G replaced by T.
Protein change: p.Gly385Val; replaces glycine 385 with valine.
Molecular consequence: missense variant.
Genome position (GRCh38, 1-based): chr18:57,691,873, C>A on the plus strand (G>T on the coding strand, the complement: ATP8B1 is on the minus strand). VCF-style: chr18-57691873-C-A. GRCh37 (hg19) VCF-style: chr18-55359105-C-A.
Other names: c.1004G>T, p.Gly335Val (NM_001374386.1); c.1154G>T, p.Gly385Val (NM_005603.6); short protein forms G335V, G385V.
Identifiers: ClinVar variation 5000076 (VCV005000076.1).

ClinVar aggregate classification (germline): Uncertain significance (1 of 4 stars; one submission).

Conditions:
ATP8B1-related disorder. Also called: ATP8B1-related disorders; ATP8B1-related condition.

gnomAD v4.1: 3 of 1,614,110 alleles (0.00019%); highest among the groups gnomAD compares: Non-Finnish European, 0.00025%; no homozygotes.

Submission:

PreventionGenetics, part of Exact Sciences
Classification: Uncertain significance for ATP8B1-related condition. Last evaluated: 2026-02-17. Review status: criteria provided, single submitter. Criteria: ACMG Guidelines, 2015. Collection method: clinical testing. Allele origin: germline.
Comment: The ATP8B1 c.1154G>T variant is predicted to result in the amino acid substitution p.Gly385Val. To our knowledge, this variant has not been reported in the literature. This variant is reported in 0.00088% of alleles in individuals of European (Non-Finnish) descent in gnomAD. At this time, the clinical significance of this variant is uncertain due to the absence of conclusive functional and genetic evidence.